The following is an entry in ClinVar:

NM_014956.5(CEP164):c.3736C>T (p.Arg1246Trp)

Gene: CEP164 (centrosomal protein 164; plus strand). Cytogenetic location: 11q23.3.
Variant type: single nucleotide variant.
Coding change: c.3736C>T on transcript NM_014956.5 (MANE Select); coding-DNA position 3736, C replaced by T.
Protein change: p.Arg1246Trp; replaces arginine 1246 with tryptophan.
Molecular consequence: missense variant. On other transcripts: intron variant (1).
Genome position (GRCh38, 1-based): chr11:117,409,016, C>T. VCF-style: chr11-117409016-C-T. GRCh37 (hg19) VCF-style: chr11-117279732-C-T.
Other names: c.3736C>T (NM_014956.4); c.3733+12C>T (NM_001271933.2); short protein forms R1246W.
Identifiers: ClinVar variation 1026636 (VCV001026636.6), dbSNP rs369446103, ClinGen allele CA6295546.

ClinVar aggregate classification (germline): Uncertain significance. Review status: criteria provided, multiple submitters, no conflicts (2 of 4 stars). 3 submissions from 3 submitters: Uncertain significance (3). Last evaluated 2026-04-13.

Conditions:
CEP164-related disorder. Also called: CEP164-related condition.
Nephronophthisis 15 (NPHP15). Identifiers: Orphanet 3156, MedGen C3541853, MONDO:0013917, OMIM 614845.

Allele frequency attached by ClinVar (database versions not stated): TOPMed 0.00005; gnomAD exomes 0.00006 and 0.00011; gnomAD 0.00007 and 0.00008; ESP Exome Variant Server 0.00008; 1000 Genomes Project 0.00020; ExAC 0.00012; 1000 Genomes Project 30x 0.00016.
gnomAD v4.1: 103 of 1,613,902 alleles (0.0064%); highest among the groups gnomAD compares: South Asian, 0.059%; no homozygotes.

Submissions (3):

PreventionGenetics, part of Exact Sciences
Classification: Uncertain significance for CEP164-related condition. Last evaluated: 2026-04-13. Review status: criteria provided, single submitter. Criteria: ACMG Guidelines, 2015. Collection method: clinical testing. Allele origin: germline.
Comment: The CEP164 c.3736C>T variant is predicted to result in the amino acid substitution p.Arg1246Trp. To our knowledge, this variant has not been reported in the literature. This variant is reported in 0.046% of alleles in individuals of South Asian descent in gnomAD. At this time, the clinical significance of this variant is uncertain due to the absence of conclusive functional and genetic evidence.

Labcorp Genetics (formerly Invitae), Labcorp
Classification: Uncertain significance for Nephronophthisis 15. Last evaluated: 2022-11-01. Review status: criteria provided, single submitter. Criteria: Invitae Variant Classification Sherloc (09022015). Collection method: clinical testing. Allele origin: germline.
Comment: This sequence change replaces arginine, which is basic and polar, with tryptophan, which is neutral and slightly polar, at codon 1246 of the CEP164 protein (p.Arg1246Trp). This variant is present in population databases (rs369446103, gnomAD 0.05%). This variant has not been reported in the literature in individuals affected with CEP164-related conditions. ClinVar contains an entry for this variant (Variation ID: 1026636). Algorithms developed to predict the effect of missense changes on protein structure and function output the following: SIFT: "Tolerated"; PolyPhen-2: "Benign"; Align-GVGD: "Class C0". The tryptophan amino acid residue is found in multiple mammalian species, which suggests that this missense change does not adversely affect protein function. Algorithms developed to predict the effect of sequence changes on RNA splicing suggest that this variant may disrupt the consensus splice site. In summary, the available evidence is currently insufficient to determine the role of this variant in disease. Therefore, it has been classified as a Variant of Uncertain Significance.

Fulgent Genetics
Classification: Uncertain significance for Nephronophthisis 15. Last evaluated: 2022-04-07. Review status: criteria provided, single submitter. Criteria: ACMG Guidelines, 2015. Collection method: clinical testing. Allele origin: unknown.